The following is an entry in ClinVar:

ClinVar aggregate classification (germline): Likely pathogenic (1 of 4 stars; one submission).

Conditions:
Tay-Sachs disease (TSD). Also called: HEXA DEFICIENCY; HEXA Disorders; GM2 gangliosidosis, type 1; Hexosaminidase alpha-subunit deficiency (variant B); Sphingolipidosis, Tay-Sachs; Hexosaminidase A Deficiency. Identifiers: Orphanet 845, MedGen C0039373, MONDO:0010100, OMIM 272800.

Submission:

Natera, Inc.
Classification: Likely pathogenic for Tay-Sachs disease. Last evaluated: 2025-09-02. Review status: criteria provided, single submitter. Criteria: Natera Variant Classification Schema (03/2026). Collection method: clinical testing. Allele origin: germline.
Comment: The c.609delG variant in HEXA is a frameshift variant predicted to shift the reading frame beginning at codon 203 and leads to a stop codon 4 codons downstream. This variant is expected to result in nonsense mediated decay, truncation, or a dysfunctional protein product. This variant is rare in the general population with a frequency below the threshold expected for the associated phenotype(s). Given the available evidence, this variant is classified as Likely Pathogenic.

NM_000520.6(HEXA):c.609del (p.Trp203fs)

Gene: HEXA (hexosaminidase subunit alpha; minus strand). Cytogenetic location: 15q23.
Variant type: Deletion.
Coding change: c.609del on transcript NM_000520.6 (MANE Select); coding-DNA position 609, one base deleted (G; older notation c.609delG).
Protein change: p.Trp203fs; shifts the reading frame from tryptophan 203.
Molecular consequence: frameshift variant. On other transcripts: non-coding transcript variant (1).
Genome position (GRCh38, 1-based): chr15:72,351,196, C deleted on the plus strand (G on the coding strand, the reverse complement: HEXA is on the minus strand); the first of 2 consecutive C bases (chr15:72,351,196-72,351,197); deleting either gives the same sequence. VCF-style (leftmost placement, unchanged base first): chr15-72351195-GC-G. GRCh37 (hg19) VCF-style: chr15-72643536-GC-G.
Other names: c.642del, p.Trp214fs (NM_001318825.2); short protein forms W203fs, W214fs.
Identifiers: ClinVar variation 4814266 (VCV004814266.1).